The following is an entry in ClinVar:

NM_000660.7(TGFB1):c.571G>A (p.Asp191Asn)

Gene: TGFB1 (transforming growth factor beta 1; minus strand). Cytogenetic location: 19q13.2.
Variant type: single nucleotide variant.
Coding change: c.571G>A on transcript NM_000660.7 (MANE Select); coding-DNA position 571, G replaced by A.
Protein change: p.Asp191Asn; replaces aspartic acid 191 with asparagine.
Molecular consequence: missense variant.
Genome position (GRCh38, 1-based): chr19:41,344,810, C>T on the plus strand (G>A on the coding strand, the complement: TGFB1 is on the minus strand). VCF-style: chr19-41344810-C-T. GRCh37 (hg19) VCF-style: chr19-41850715-C-T.
Other names: short protein forms D191N.
Identifiers: ClinVar variation 2987647 (VCV002987647.3), dbSNP rs201383660, ClinGen allele CA308512736.
Genomic context (GRCh38, chr19:41,344,810, plus strand): 5'-CACGGCTCAACCACTGCCGCACAACTCCGGTGACATCAAAAGATAACCACTCTGGCGAGT[C>T]GCTGGGTGCCAGCAGCCGGTTGCTGAGGTATCGCCAGGAATTGTTGCTGTATTTCTAGAG-3'
Protein context (NP_000651.3, residues 181-201): YLSNRLLAPS[Asp191Asn]SPEWLSFDVT

ClinVar aggregate classification (germline): Uncertain significance (1 of 4 stars; one submission).

Allele frequency attached by ClinVar (database versions not stated): gnomAD exomes below 0.00001; TOPMed below 0.00001.

Submission:

Labcorp Genetics (formerly Invitae), Labcorp
Classification: Uncertain significance. Last evaluated: 2023-07-18. Review status: criteria provided, single submitter. Criteria: Invitae Variant Classification Sherloc (09022015). Collection method: clinical testing. Allele origin: germline.
Comment: This sequence change replaces aspartic acid, which is acidic and polar, with asparagine, which is neutral and polar, at codon 191 of the TGFB1 protein (p.Asp191Asn). This variant is not present in population databases (gnomAD no frequency). This variant has not been reported in the literature in individuals affected with TGFB1-related conditions. Advanced modeling of protein sequence and biophysical properties (such as structural, functional, and spatial information, amino acid conservation, physicochemical variation, residue mobility, and thermodynamic stability) performed at Invitae indicates that this missense variant is not expected to disrupt TGFB1 protein function. In summary, the available evidence is currently insufficient to determine the role of this variant in disease. Therefore, it has been classified as a Variant of Uncertain Significance.